The following is an entry in ClinVar:

ClinVar aggregate classification (germline): Pathogenic (1 of 4 stars; one submission).

Submission:

Labcorp Genetics (formerly Invitae), Labcorp
Classification: Pathogenic. Last evaluated: 2022-06-27. Review status: criteria provided, single submitter. Criteria: Invitae Variant Classification Sherloc (09022015). Collection method: clinical testing. Allele origin: germline.
Comment: This sequence change creates a premature translational stop signal (p.Tyr318Metfs*7) in the C7 gene. It is expected to result in an absent or disrupted protein product. Loss-of-function variants in C7 are known to be pathogenic (PMID: 9856499, 17407100). This variant is not present in population databases (gnomAD no frequency). This variant has not been reported in the literature in individuals affected with C7-related conditions. For these reasons, this variant has been classified as Pathogenic.

Literature cited by the submitters: PubMed 9856499; PubMed 17407100.

NM_000587.4(C7):c.952del (p.Tyr318fs)

Gene: C7 (complement C7; plus strand). Cytogenetic location: 5p13.1.
Variant type: Deletion.
Coding change: c.952del on transcript NM_000587.4 (MANE Select); coding-DNA position 952, one base deleted (T; older notation c.952delT).
Protein change: p.Tyr318fs; shifts the reading frame from tyrosine 318.
Molecular consequence: frameshift variant.
Genome position (GRCh38, 1-based): chr5:40,947,815, T deleted; the last of 4 consecutive T bases (chr5:40,947,812-40,947,815); deleting any one gives the same sequence. VCF-style (leftmost placement, unchanged base first): chr5-40947811-AT-A. GRCh37 (hg19) VCF-style: chr5-40947913-AT-A.
Other names: short protein forms Y318fs.
Identifiers: ClinVar variation 2188741 (VCV002188741.1), dbSNP rs1740083267, ClinGen allele CA1075385129.